The following is an entry in ClinVar:

NM_005050.4(ABCD4):c.1093G>T (p.Gly365Cys)

Gene: ABCD4 (ATP binding cassette subfamily D member 4; minus strand). Cytogenetic location: 14q24.3.
Variant type: single nucleotide variant.
Coding change: c.1093G>T on transcript NM_005050.4 (MANE Select); coding-DNA position 1093, G replaced by T.
Protein change: p.Gly365Cys; replaces glycine 365 with cysteine.
Molecular consequence: missense variant. On other transcripts: non-coding transcript variant (10).
Genome position (GRCh38, 1-based): chr14:74,292,312, C>A on the plus strand (G>T on the coding strand, the complement: ABCD4 is on the minus strand). VCF-style: chr14-74292312-C-A. GRCh37 (hg19) VCF-style: chr14-74759015-C-A.
Other names: c.967G>T, p.Gly323Cys (NM_001353591.2, NM_001353592.2); c.832G>T, p.Gly278Cys (NM_001353593.2); c.781G>T, p.Gly261Cys (NM_001353594.2); c.679G>T, p.Gly227Cys (NM_001353595.2, NM_001353596.2); c.628G>T, p.Gly210Cys (NM_001353597.2); c.616G>T, p.Gly206Cys (NM_001353598.2, NM_001353599.2, NM_001353600.2 and 2 more transcripts); c.304G>T, p.Gly102Cys (NM_001353602.2, NM_001353603.2, NM_001353604.2 and 6 more transcripts); c.1093G>T, p.Gly365Cys (NM_020325.3); short protein forms G365C, G278C, G261C, G206C, G102C, G210C, G227C, G323C.
Identifiers: ClinVar variation 390396 (VCV000390396.7), dbSNP rs201100662, ClinGen allele CA7266938.

ClinVar aggregate classification (germline): Uncertain significance. Review status: criteria provided, multiple submitters, no conflicts (2 of 4 stars). 3 submissions from 3 submitters: Uncertain significance (3). Last evaluated 2023-06-14.

Conditions:
Methylmalonic acidemia with homocystinuria, type cblJ (MAHCJ). Also called: METHYLMALONIC ACIDURIA AND HOMOCYSTINURIA, cblJ TYPE. Identifiers: Orphanet 369955, MedGen C3553915, MONDO:0013925, OMIM 614857.

Allele frequency attached by ClinVar (database versions not stated): gnomAD 0.00001; gnomAD exomes 0.00001 and 0.00002; TOPMed 0.00001; ExAC 0.00002; 1000 Genomes Project 30x 0.00031; 1000 Genomes Project 0.00040.
gnomAD v4.1: 17 of 1,614,118 alleles (0.0011%); highest among the groups gnomAD compares: Middle Eastern, 0.12%; no homozygotes.

Submissions (3):

Blueprint Genetics
Classification: Uncertain significance. Last evaluated: 2023-06-14. Review status: criteria provided, single submitter. Criteria: ACMG Guidelines, 2015. Collection method: clinical testing. Allele origin: germline.

Revvity Omics, Revvity
Classification: Uncertain significance for Methylmalonic acidemia with homocystinuria, type cblJ. Last evaluated: 2021-11-16. Review status: criteria provided, single submitter. Criteria: ACMG Guidelines, 2015. Collection method: clinical testing. Allele origin: germline.

GeneDx
Classification: Uncertain significance. Last evaluated: 2019-04-25. Review status: criteria provided, single submitter. Criteria: GeneDx Variant Classification Process June 2021. Collection method: clinical testing. Allele origin: germline. Affected: yes.
Comment: Not observed at a significant frequency in large population cohorts (Lek et al., 2016); In silico analysis, which includes protein predictors and evolutionary conservation, supports that this variant does not alter protein structure/function; Has not been previously published as pathogenic or benign to our knowledge